The following is an entry in ClinVar:

NM_001042492.3(NF1):c.5126T>A (p.Ile1709Lys)

Gene: NF1 (neurofibromin 1; plus strand). Cytogenetic location: 17q11.2.
Variant type: single nucleotide variant.
Coding change: c.5126T>A on transcript NM_001042492.3 (MANE Select); coding-DNA position 5126, T replaced by A.
Protein change: p.Ile1709Lys; replaces isoleucine 1709 with lysine.
Molecular consequence: missense variant.
Genome position (GRCh38, 1-based): chr17:31,326,110, T>A. VCF-style: chr17-31326110-T-A. GRCh37 (hg19) VCF-style: chr17-29653128-T-A.
Other names: c.5063T>A, p.Ile1688Lys (NM_000267.4); short protein forms I1709K, I1688K.
Identifiers: ClinVar variation 1385613 (VCV001385613.6), dbSNP rs876660316, ClinGen allele CA399007726.

ClinVar aggregate classification (germline): Uncertain significance (1 of 4 stars; one submission).

Conditions:
Neurofibromatosis, type 1 (NF1). Also called: VON RECKLINGHAUSEN DISEASE; Peripheral type neurofibromatosis; Neurofibromatosis, type I; NEUROFIBROMATOSIS, TYPE I, SOMATIC. Identifiers: Orphanet 636, MedGen C0027831, MONDO:0018975, OMIM 162200. Disease mechanism: loss of function.

Allele frequency attached by ClinVar (database versions not stated): gnomAD exomes below 0.00001.
gnomAD v4.1: 1 of 1,613,426 alleles (0.000062%); highest among the groups gnomAD compares: Non-Finnish European, 0.000085%; no homozygotes.

Submission:

Labcorp Genetics (formerly Invitae), Labcorp
Classification: Uncertain significance for Neurofibromatosis, type 1. Last evaluated: 2021-10-09. Review status: criteria provided, single submitter. Criteria: Invitae Variant Classification Sherloc (09022015). Collection method: clinical testing. Allele origin: germline.
Comment: Advanced modeling of protein sequence and biophysical properties (such as structural, functional, and spatial information, amino acid conservation, physicochemical variation, residue mobility, and thermodynamic stability) performed at Invitae indicates that this missense variant is expected to disrupt NF1 protein function. This variant has not been reported in the literature in individuals affected with NF1-related conditions. This variant is not present in population databases (ExAC no frequency). This sequence change replaces isoleucine with lysine at codon 1688 of the NF1 protein (p.Ile1688Lys). The isoleucine residue is moderately conserved and there is a moderate physicochemical difference between isoleucine and lysine. In summary, the available evidence is currently insufficient to determine the role of this variant in disease. Therefore, it has been classified as a Variant of Uncertain Significance.